The following is an entry in ClinVar:

ClinVar aggregate classification (germline): Uncertain significance (1 of 4 stars; one submission).

Conditions:
Ciliary dyskinesia, primary, 37 (CILD37). Also called: CILIARY DYSKINESIA, PRIMARY, 37, WITH OR WITHOUT SITUS INVERSUS. Identifiers: MedGen C4539798, MONDO:0033204, OMIM 617577.
Spermatogenic failure 18. Identifiers: MedGen C4539783, MONDO:0054615, OMIM 617576.

Allele frequency attached by ClinVar (database versions not stated): gnomAD exomes below 0.00001 and 0.00001; gnomAD 0.00001 and 0.00003; ExAC 0.00002; TOPMed 0.00002.
gnomAD v4.1: 4 of 1,613,920 alleles (0.00025%); highest among the groups gnomAD compares: African/African-American, 0.004%; no homozygotes.

Submission:

Labcorp Genetics (formerly Invitae), Labcorp
Classification: Uncertain significance for Ciliary dyskinesia, primary, 37; Spermatogenic failure 18. Last evaluated: 2021-06-30. Review status: criteria provided, single submitter. Criteria: Invitae Variant Classification Sherloc (09022015). Collection method: clinical testing. Allele origin: germline.
Comment: Algorithms developed to predict the effect of missense changes on protein structure and function are either unavailable or do not agree on the potential impact of this missense change (SIFT: "Deleterious"; PolyPhen-2: "Probably Damaging"; Align-GVGD: "Class C0"). This sequence change replaces leucine with proline at codon 2629 of the DNAH1 protein (p.Leu2629Pro). The leucine residue is moderately conserved and there is a moderate physicochemical difference between leucine and proline. This variant is present in population databases (rs759593608, ExAC 0.03%). This variant has not been reported in the literature in individuals affected with DNAH1-related conditions. In summary, the available evidence is currently insufficient to determine the role of this variant in disease. Therefore, it has been classified as a Variant of Uncertain Significance.

NM_015512.5(DNAH1):c.7886T>C (p.Leu2629Pro)

Gene: DNAH1 (dynein axonemal heavy chain 1; plus strand). Cytogenetic location: 3p21.1.
Variant type: single nucleotide variant.
Coding change: c.7886T>C on transcript NM_015512.5 (MANE Select); coding-DNA position 7886, T replaced by C.
Protein change: p.Leu2629Pro; replaces leucine 2629 with proline.
Molecular consequence: missense variant.
Genome position (GRCh38, 1-based): chr3:52,382,400, T>C. VCF-style: chr3-52382400-T-C. GRCh37 (hg19) VCF-style: chr3-52416416-T-C.
Other names: short protein forms L2629P.
Identifiers: ClinVar variation 1437127 (VCV001437127.8), dbSNP rs759593608, ClinGen allele CA2435013.